The following is an entry in ClinVar:

ClinVar aggregate classification (germline): Uncertain significance (1 of 4 stars; one submission).

Conditions:
Nephronophthisis 16 (NPHP16). Identifiers: Orphanet 655, MedGen C3809320, MONDO:0014158, OMIM 615382.

Submission:

Labcorp Genetics (formerly Invitae), Labcorp
Classification: Uncertain significance for Nephronophthisis 16. Last evaluated: 2022-06-27. Review status: criteria provided, single submitter. Criteria: Invitae Variant Classification Sherloc (09022015). Collection method: clinical testing. Allele origin: germline.
Comment: In summary, the available evidence is currently insufficient to determine the role of this variant in disease. Therefore, it has been classified as a Variant of Uncertain Significance. Algorithms developed to predict the effect of missense changes on protein structure and function (SIFT, PolyPhen-2, Align-GVGD) all suggest that this variant is likely to be tolerated. ClinVar contains an entry for this variant (Variation ID: 1025758). This variant has not been reported in the literature in individuals affected with ANKS6-related conditions. This variant is not present in population databases (gnomAD no frequency). This sequence change replaces glutamic acid, which is acidic and polar, with alanine, which is neutral and non-polar, at codon 44 of the ANKS6 protein (p.Glu44Ala).

NM_173551.5(ANKS6):c.131A>C (p.Glu44Ala)

Gene: ANKS6 (ankyrin repeat and sterile alpha motif domain containing 6; minus strand). Cytogenetic location: 9q22.33.
Variant type: single nucleotide variant.
Coding change: c.131A>C on transcript NM_173551.5 (MANE Select); coding-DNA position 131, A replaced by C.
Protein change: p.Glu44Ala; replaces glutamic acid 44 with alanine.
Molecular consequence: missense variant.
Genome position (GRCh38, 1-based): chr9:98,796,361, T>G on the plus strand (A>C on the coding strand, the complement: ANKS6 is on the minus strand). VCF-style: chr9-98796361-T-G. GRCh37 (hg19) VCF-style: chr9-101558643-T-G.
Other names: short protein forms E44A.
Identifiers: ClinVar variation 1025758 (VCV001025758.10), dbSNP rs1835177191, ClinGen allele CA374220588.